The following is an entry in ClinVar:

NM_016203.4(PRKAG2):c.282G>C (p.Arg94Ser)

Gene: PRKAG2 (protein kinase AMP-activated non-catalytic subunit gamma 2; minus strand). Cytogenetic location: 7q36.1.
Variant type: single nucleotide variant.
Coding change: c.282G>C on transcript NM_016203.4 (MANE Select); coding-DNA position 282, G replaced by C.
Protein change: p.Arg94Ser; replaces arginine 94 with serine.
Molecular consequence: missense variant. On other transcripts: intron variant (1).
Genome position (GRCh38, 1-based): chr7:151,781,336, C>G on the plus strand (G>C on the coding strand, the complement: PRKAG2 is on the minus strand). VCF-style: chr7-151781336-C-G. GRCh37 (hg19) VCF-style: chr7-151478422-C-G.
Other names: c.150G>C, p.Arg50Ser (NM_001040633.2, NM_001407024.1, NM_001407026.1 and 2 more transcripts); c.282G>C, p.Arg94Ser (NM_001407021.1, NM_001407022.1, NM_001407023.1 and 2 more transcripts); c.148+33080G>C (NM_001407032.1); short protein forms R50S, R94S.
Identifiers: ClinVar variation 3425033 (VCV003425033.1).

ClinVar aggregate classification (germline): Uncertain significance (1 of 4 stars; one submission).

Conditions:
Cardiovascular phenotype. Identifiers: MedGen CN230736.

Submission:

Ambry Genetics
Classification: Uncertain significance for Cardiovascular phenotype. Last evaluated: 2024-10-28. Review status: criteria provided, single submitter. Criteria: Ambry Variant Classification Scheme 2023. Collection method: clinical testing. Allele origin: germline.
Comment: The p.R94S variant (also known as c.282G>C), located in coding exon 3 of the PRKAG2 gene, results from a G to C substitution at nucleotide position 282. The arginine at codon 94 is replaced by serine, an amino acid with dissimilar properties. This amino acid position is conserved. In addition, the in silico prediction for this alteration is inconclusive. Based on the available evidence, the clinical significance of this variant remains unclear.